The following is an entry in ClinVar:

NM_003072.5(SMARCA4):c.3356G>A (p.Arg1119His)

Gene: SMARCA4 (SWI/SNF related BAF chromatin remodeling complex subunit ATPase 4; plus strand). Cytogenetic location: 19p13.2.
Variant type: single nucleotide variant.
Coding change: c.3356G>A on transcript NM_003072.5 (MANE Select); coding-DNA position 3356, G replaced by A.
Protein change: p.Arg1119His; replaces arginine 1119 with histidine.
Molecular consequence: missense variant. On other transcripts: non-coding transcript variant (1).
Genome position (GRCh38, 1-based): chr19:11,027,924, G>A. VCF-style: chr19-11027924-G-A. GRCh37 (hg19) VCF-style: chr19-11138600-G-A.
Other names: c.3356G>A, p.Arg1119His (NM_001128847.4, NM_001128848.2, NM_001128849.3 and 5 more transcripts); short protein forms R1119H.
Identifiers: ClinVar variation 537795 (VCV000537795.14), dbSNP rs370466670, ClinGen allele CA9204390.

ClinVar aggregate classification (germline): Uncertain significance. Review status: criteria provided, multiple submitters, no conflicts (2 of 4 stars). 3 submissions from 3 submitters: Uncertain significance (3). Last evaluated 2025-10-29.

Conditions:
Hereditary cancer-predisposing syndrome. Also called: Tumor predisposition; Hereditary Cancer Syndrome; Hereditary neoplastic syndrome; Neoplastic Syndromes, Hereditary. Identifiers: Orphanet 140162, MedGen C0027672, MeSH D009386, MONDO:0015356.
Intellectual disability, autosomal dominant 16 (CSS4). Also called: COFFIN-SIRIS SYNDROME 4. Identifiers: Orphanet 1465, MedGen C3553249, MONDO:0013821, OMIM 614609.
Rhabdoid tumor predisposition syndrome 2 (RTPS2). Identifiers: Orphanet 231108, Orphanet 69077, MedGen C2750074, MONDO:0013224, OMIM 613325.

Allele frequency attached by ClinVar (database versions not stated): gnomAD exomes below 0.00001; ExAC 0.00001; gnomAD 0.00001; TOPMed 0.00001; ESP Exome Variant Server 0.00008.
gnomAD v4.1: 1 of 1,614,016 alleles (0.000062%); highest among the groups gnomAD compares: African/African-American, 0.0013%; no homozygotes.

Submissions (3):

Ambry Genetics
Classification: Uncertain significance for Hereditary cancer-predisposing syndrome. Last evaluated: 2025-10-29. Review status: criteria provided, single submitter. Criteria: Ambry Variant Classification Scheme 2023. Collection method: clinical testing. Allele origin: germline.
Comment: The p.R1119H variant (also known as c.3356G>A), located in coding exon 23 of the SMARCA4 gene, results from a G to A substitution at nucleotide position 3356. The arginine at codon 1119 is replaced by histidine, an amino acid with highly similar properties. This variant was detected in a cohort of 63 patients clinically diagnosed with Coffin-Siris syndrome and classified as a variant of unknown significance by the authors (Santen GW et al. Hum Mutat, 2013 Nov;34:1519-28). This variant was also detected in a cohort of 11 patients with autism and mild-severe intellectual disability and dysmorphic features who underwent whole exome sequencing (Vandeweyer G et al. Am J Med Genet C Semin Med Genet, 2014 Sep;166C:315-26). This amino acid position is highly conserved in available vertebrate species. In addition, this alteration is predicted to be deleterious by in silico analysis. Based on the available evidence, the clinical significance of this variant remains unclear.

Labcorp Genetics (formerly Invitae), Labcorp
Classification: Uncertain significance for Rhabdoid tumor predisposition syndrome 2. Last evaluated: 2025-10-02. Review status: criteria provided, single submitter. Criteria: Invitae Variant Classification Sherloc (09022015). Collection method: clinical testing. Allele origin: germline.
Comment: This sequence change replaces arginine, which is basic and polar, with histidine, which is basic and polar, at codon 1119 of the SMARCA4 protein (p.Arg1119His). This variant is present in population databases (rs370466670, gnomAD 0.007%). This variant has not been reported in the literature in individuals affected with SMARCA4-related conditions. ClinVar contains an entry for this variant (Variation ID: 537795). Invitae Evidence Modeling of protein sequence and biophysical properties (such as structural, functional, and spatial information, amino acid conservation, physicochemical variation, residue mobility, and thermodynamic stability) indicates that this missense variant is expected to disrupt SMARCA4 protein function with a positive predictive value of 95%. In summary, the available evidence is currently insufficient to determine the role of this variant in disease. Therefore, it has been classified as a Variant of Uncertain Significance.

Genome-Nilou Lab
Classification: Uncertain significance for Intellectual disability, autosomal dominant 16. Last evaluated: 2021-07-15. Review status: criteria provided, single submitter. Criteria: ACMG Guidelines, 2015. Collection method: clinical testing. Allele origin: germline. Affected: no.

Literature cited by the submitters: PubMed 23929686 (cited by Ambry Genetics); PubMed 25169753 (cited by Ambry Genetics).